The following is an entry in ClinVar:

NM_000238.4(KCNH2):c.1547_1548insGCCACACCCCAA (p.Gly516_Ser517insProHisProAsn)

Gene: KCNH2 (potassium voltage-gated channel subfamily H member 2; minus strand). Cytogenetic location: 7q36.1.
Variant type: Insertion.
Coding change: c.1547_1548insGCCACACCCCAA on transcript NM_000238.4 (MANE Select); coding-DNA positions 1547 to 1548, GCCACACCCCAA inserted.
Protein change: p.Gly516_Ser517insProHisProAsn.
Molecular consequence: inframe insertion. On other transcripts: non-coding transcript variant (2).
Genome position: GRCh38 VCF-style: chr7-150952434-G-GTTGGGGTGTGGC. GRCh37 (hg19) VCF-style: chr7-150649522-G-GTTGGGGTGTGGC.
Other names: c.527_528insGCCACACCCCAA, p.Gly176_Ser177insProHisProAsn (NM_001204798.2, NM_172057.3); c.1259_1260insGCCACACCCCAA, p.Gly420_Ser421insProHisProAsn (NM_001406753.1, NM_001406756.1); c.1370_1371insGCCACACCCCAA, p.Gly457_Ser458insProHisProAsn (NM_001406755.1); c.1247_1248insGCCACACCCCAA, p.Gly416_Ser417insProHisProAsn (NM_001406757.1); c.1547_1548insGCCACACCCCAA, p.Gly516_Ser517insProHisProAsn (NM_172056.3).
Identifiers: ClinVar variation 3070368 (VCV003070368.1), dbSNP rs2486045462, ClinGen allele CA2685610034.

ClinVar aggregate classification (germline): Uncertain significance (1 of 4 stars; one submission).

Conditions:
Long QT syndrome (LQTS). Identifiers: MedGen C0023976, MeSH D008133, MONDO:0002442. Disease mechanism: loss of function. Inheritance: Various modes of inheritance.

Submission:

All of Us Research Program, National Institutes of Health
Classification: Uncertain significance for Long QT syndrome. Last evaluated: 2023-04-10. Review status: criteria provided, single submitter. Criteria: ACMG Guidelines, 2015. Collection method: clinical testing. Allele origin: germline. Inheritance: Autosomal dominant inheritance. Observed: 1 variant allele, 1 heterozygote.
Comment: This variant causes an insertion of four amino acids in the KCNH2 protein. To our knowledge, functional studies have not been reported for this variant. This variant has not been reported in individuals affected with KCNH2-related disorders in the literature. This variant has not been identified in the general population by the Genome Aggregation Database (gnomAD). The available evidence is insufficient to determine the role of this variant in disease conclusively. Therefore, this variant is classified as a Variant of Uncertain Significance.

This study involves interpretation of variants in research participants for the purpose of population health screening. Participant phenotype was not available at the time of variant classification. Additional details can be found in publication PMID: 35346344, PMCID: PMC8962531